The following is an entry in ClinVar:

ClinVar aggregate classification (germline): Uncertain significance (1 of 4 stars; one submission).

Allele frequency attached by ClinVar (database versions not stated): gnomAD exomes below 0.00001; TOPMed below 0.00001; gnomAD 0.00001.

Submission:

Labcorp Genetics (formerly Invitae), Labcorp
Classification: Uncertain significance. Last evaluated: 2023-02-07. Review status: criteria provided, single submitter. Criteria: Invitae Variant Classification Sherloc (09022015). Collection method: clinical testing. Allele origin: germline.
Comment: Experimental studies and prediction algorithms are not available or were not evaluated, and the functional significance of this variant is currently unknown. This variant has not been reported in the literature in individuals affected with TBXA2R-related conditions. This variant is not present in population databases (gnomAD no frequency). This variant, c.280_282del, results in the deletion of 1 amino acid(s) of the TBXA2R protein (p.Glu94del), but otherwise preserves the integrity of the reading frame. In summary, the available evidence is currently insufficient to determine the role of this variant in disease. Therefore, it has been classified as a Variant of Uncertain Significance.

NM_001060.6(TBXA2R):c.280_282del (p.Glu94del)

Gene: TBXA2R (thromboxane A2 receptor; minus strand). Cytogenetic location: 19p13.3.
Variant type: Deletion.
Coding change: c.280_282del on transcript NM_001060.6 (MANE Select); coding-DNA positions 280 to 282, 3 bases deleted (GAG; older notation c.280_282delGAG).
Protein change: p.Glu94del; deletes glutamic acid 94.
Molecular consequence: inframe deletion.
Genome position (GRCh38, 1-based): chr19:3,600,353-3,600,355, CTC deleted on the plus strand (GAG on the coding strand, the reverse complement: TBXA2R is on the minus strand). VCF-style (leftmost placement, unchanged base first): chr19-3600352-ACTC-A. GRCh37 (hg19) VCF-style: chr19-3600350-ACTC-A.
Other names: c.280_282del, p.Glu94del (NM_201636.3); short protein forms E94del.
Identifiers: ClinVar variation 2957325 (VCV002957325.3), dbSNP rs1256788044, ClinGen allele CA881836285.